The following is an entry in ClinVar:

NM_001290043.2(TAP2):c.1012G>A (p.Gly338Arg)

Gene: TAP2 (transporter 2, ATP binding cassette subfamily B member; minus strand). Cytogenetic location: 6p21.32.
Variant type: single nucleotide variant.
Coding change: c.1012G>A on transcript NM_001290043.2 (MANE Select); coding-DNA position 1012, G replaced by A.
Protein change: p.Gly338Arg; replaces glycine 338 with arginine.
Molecular consequence: missense variant.
Genome position (GRCh38, 1-based): chr6:32,832,758, C>T on the plus strand (G>A on the coding strand, the complement: TAP2 is on the minus strand). VCF-style: chr6-32832758-C-T. GRCh37 (hg19) VCF-style: chr6-32800535-C-T.
Other names: c.1012G>A, p.Gly338Arg (NM_000544.3, NM_018833.3); short protein forms G338R.
Identifiers: ClinVar variation 1013938 (VCV001013938.8), dbSNP rs1769174417, ClinGen allele CA363583359.
Genomic context (GRCh38, chr6:32,832,758, plus strand): 5'-CCTCTTTATAGCGACAGACTTCATGCTCCTCGGCCCCAAAACTGCGAACGGTCTGCAGCC[C>T]TCCAACGGCTTCCCGCACCACCTGCCCCGCCCTGGCCACTGCATCCTGGATCTCCCGAAG-3'
Protein context (NP_001276972.1, residues 328-348): AGQVVREAVG[Gly338Arg]LQTVRSFGAE

ClinVar aggregate classification (germline): Uncertain significance (1 of 4 stars; one submission).

Conditions:
MHC class I deficiency. Identifiers: Orphanet 34592, MedGen C6024714, MONDO:0011476.

Allele frequency attached by ClinVar (database versions not stated): gnomAD exomes 0.00001; TOPMed below 0.00001.
gnomAD v4.1: 8 of 1,613,118 alleles (0.0005%); highest among the groups gnomAD compares: Non-Finnish European, 0.00068%; no homozygotes.

Submission:

Labcorp Genetics (formerly Invitae), Labcorp
Classification: Uncertain significance for MHC class I deficiency 1. Last evaluated: 2020-11-19. Review status: criteria provided, single submitter. Criteria: Invitae Variant Classification Sherloc (09022015). Collection method: clinical testing. Allele origin: germline.
Comment: This variant is not present in population databases (ExAC no frequency). In summary, the available evidence is currently insufficient to determine the role of this variant in disease. Therefore, it has been classified as a Variant of Uncertain Significance. Algorithms developed to predict the effect of missense changes on protein structure and function are either unavailable or do not agree on the potential impact of this missense change (SIFT: "Deleterious"; PolyPhen-2: "Not Available"; Align-GVGD: "Class C0"). This variant has not been reported in the literature in individuals with TAP2-related conditions. This sequence change replaces glycine with arginine at codon 338 of the TAP2 protein (p.Gly338Arg). The glycine residue is moderately conserved and there is a moderate physicochemical difference between glycine and arginine.